The following is an entry in ClinVar:

ClinVar aggregate classification (germline): Pathogenic (1 of 4 stars; one submission).

Submission:

Labcorp Genetics (formerly Invitae), Labcorp
Classification: Pathogenic. Last evaluated: 2022-01-15. Review status: criteria provided, single submitter. Criteria: Invitae Variant Classification Sherloc (09022015). Collection method: clinical testing. Allele origin: germline.
Comment: For these reasons, this variant has been classified as Pathogenic. This variant has not been reported in the literature in individuals affected with NTHL1-related conditions. This variant is not present in population databases (gnomAD no frequency). This sequence change creates a premature translational stop signal (p.Tyr130Cysfs*5) in the NTHL1 gene. It is expected to result in an absent or disrupted protein product. Loss-of-function variants in NTHL1 are known to be pathogenic (PMID: 25938944, 26559593).

Literature cited by the submitters: PubMed 25938944; PubMed 26559593.

NM_002528.7(NTHL1):c.365_371del (p.Tyr122fs)

Gene: NTHL1 (nth like DNA glycosylase 1; minus strand). Cytogenetic location: 16p13.3.
Variant type: Deletion.
Coding change: c.365_371del on transcript NM_002528.7 (MANE Select); coding-DNA positions 365 to 371, 7 bases deleted (ACCAGGT; older notation c.365_371delACCAGGT).
Protein change: p.Tyr122fs; shifts the reading frame from tyrosine 122.
Molecular consequence: frameshift variant. On other transcripts: intron variant (1).
Genome position (GRCh38, 1-based): chr16:2,044,784-2,044,790, ACCTGGT deleted on the plus strand (ACCAGGT on the coding strand, the reverse complement: NTHL1 is on the minus strand); deleting any 7 consecutive bases within chr16:2,044,784-2,044,795 gives the same sequence; the c. name uses the placement nearest the transcript's 3' end. VCF-style (leftmost placement, unchanged base first): chr16-2044783-CACCTGGT-C. GRCh37 (hg19) VCF-style: chr16-2094784-CACCTGGT-C.
Other names: c.35_41del, p.Tyr12fs (NM_001318194.2); c.355-1064_355-1058del (NM_001318193.2); short protein forms Y122fs, Y12fs.
Identifiers: ClinVar variation 2084356 (VCV002084356.4), dbSNP rs2548316432, ClinGen allele CA2580090613.